The following is an entry in ClinVar:

ClinVar aggregate classification (germline): Uncertain significance (1 of 4 stars; one submission).

Conditions:
Nephronophthisis 18 (NPHP18). Identifiers: Orphanet 655, MedGen C3890591, MONDO:0014374, OMIM 615862.

Allele frequency attached by ClinVar (database versions not stated): gnomAD 0.00001; TOPMed 0.00001; gnomAD exomes 0.00002.
gnomAD v4.1: 9 of 1,612,402 alleles (0.00056%); highest among the groups gnomAD compares: Admixed American, 0.013%; no homozygotes.

Submission:

Labcorp Genetics (formerly Invitae), Labcorp
Classification: Uncertain significance for Nephronophthisis 18. Last evaluated: 2021-09-21. Review status: criteria provided, single submitter. Criteria: Invitae Variant Classification Sherloc (09022015). Collection method: clinical testing. Allele origin: germline.
Comment: This sequence change replaces threonine with serine at codon 440 of the CEP83 protein (p.Thr440Ser). The threonine residue is weakly conserved and there is a small physicochemical difference between threonine and serine. This variant is not present in population databases (ExAC no frequency). This variant has not been reported in the literature in individuals affected with CEP83-related conditions. Algorithms developed to predict the effect of missense changes on protein structure and function are either unavailable or do not agree on the potential impact of this missense change (SIFT: "Not Available"; PolyPhen-2: "Benign"; Align-GVGD: "Not Available"). In summary, the available evidence is currently insufficient to determine the role of this variant in disease. Therefore, it has been classified as a Variant of Uncertain Significance.

NM_016122.3(CEP83):c.1318A>T (p.Thr440Ser)

Gene: CEP83 (centrosomal protein 83; minus strand). Cytogenetic location: 12q22.
Variant type: single nucleotide variant.
Coding change: c.1318A>T on transcript NM_016122.3 (MANE Select); coding-DNA position 1318, A replaced by T.
Protein change: p.Thr440Ser; replaces threonine 440 with serine.
Molecular consequence: missense variant. On other transcripts: non-coding transcript variant (1).
Genome position (GRCh38, 1-based): chr12:94,367,819, T>A on the plus strand (A>T on the coding strand, the complement: CEP83 is on the minus strand). VCF-style: chr12-94367819-T-A. GRCh37 (hg19) VCF-style: chr12-94761595-T-A.
Other names: c.1318A>T, p.Thr440Ser (NM_001042399.2, NM_001346457.2, NM_001368037.1 and 1 more transcripts); c.1006A>T, p.Thr336Ser (NM_001346458.2, NM_001346459.2, NM_001368039.1 and 1 more transcripts); c.1093A>T, p.Thr365Ser (NM_001368041.1); short protein forms T336S, T365S, T440S.
Identifiers: ClinVar variation 1500619 (VCV001500619.3), dbSNP rs1483402500, ClinGen allele CA386145345.